The following is an entry in ClinVar:

ClinVar aggregate classification (germline): Likely benign. Review status: criteria provided, multiple submitters, no conflicts (2 of 4 stars). 2 submissions from 2 submitters: Likely benign (2). Last evaluated 2025-09-01.

Conditions:
Left ventricular noncompaction 1 (LVNC1). Also called: LEFT VENTRICULAR NONCOMPACTION 1 WITH OR WITHOUT CONGENITAL HEART DEFECTS. Identifiers: Orphanet 54260, MedGen C1858725, MONDO:0011403, OMIM 604169.

Allele frequency attached by ClinVar (database versions not stated): TOPMed below 0.00001.
gnomAD v4.1: 1 of 1,613,908 alleles (0.000062%); no homozygotes.

Submissions (2):

CeGaT Center for Human Genetics Tuebingen
Classification: Likely benign. Last evaluated: 2025-09-01. Review status: criteria provided, single submitter. Criteria: CeGaT Center For Human Genetics Tuebingen Variant Classification Criteria Version 2. Collection method: clinical testing. Allele origin: germline. Affected: yes. Observed: 1 variant allele.
Comment: DTNA: BP4, BP7

Labcorp Genetics (formerly Invitae), Labcorp
Classification: Likely benign for Left ventricular noncompaction 1. Last evaluated: 2022-03-26. Review status: criteria provided, single submitter. Criteria: Invitae Variant Classification Sherloc (09022015). Collection method: clinical testing. Allele origin: germline.

NM_001386795.1(DTNA):c.1746T>C (p.Thr582=)

Gene: DTNA (dystrobrevin alpha; plus strand). Cytogenetic location: 18q12.1.
Variant type: single nucleotide variant.
Coding change: c.1746T>C on transcript NM_001386795.1 (MANE Select); coding-DNA position 1746, T replaced by C.
Protein change: p.Thr582=; no amino-acid change (threonine 582 retained).
Molecular consequence: synonymous variant.
Genome position (GRCh38, 1-based): chr18:34,875,241, T>C. VCF-style: chr18-34875241-T-C. GRCh37 (hg19) VCF-style: chr18-32455205-T-C.
Other names: c.1485T>C, p.Thr495= (NM_001198938.2, NM_001198940.2, NM_001386753.1 and 5 more transcripts); c.1506T>C, p.Thr502= (NM_001198939.2); c.792T>C, p.Thr264= (NM_001198942.1); c.735T>C, p.Thr245= (NM_001198943.1); c.621T>C, p.Thr207= (NM_001198944.1); c.1575T>C, p.Thr525= (NM_001386754.1, NM_001386755.1, NM_001386756.1 and 3 more transcripts); c.1572T>C, p.Thr524= (NM_001386760.1); c.1494T>C, p.Thr498= (NM_001386761.1, NM_032975.4); and 5 more.
Identifiers: ClinVar variation 1924498 (VCV001924498.12), dbSNP rs923338592, ClinGen allele CA297799442.